The following is an entry in ClinVar:

ClinVar aggregate classification (germline): Benign/Likely benign. Review status: criteria provided, multiple submitters, no conflicts (2 of 4 stars). 3 submissions from 3 submitters: Benign (1); Likely benign (1). 1 of the submissions does not count toward it. Last evaluated 2025-02-01.

Conditions:
Familial cutaneous telangiectasia and oropharyngeal predisposition cancer syndrome. Identifiers: Orphanet 313846, MedGen C3281203, MONDO:0013806, OMIM 614564.

Allele frequency attached by ClinVar (database versions not stated): ESP Exome Variant Server 0.00262; gnomAD 0.02829; ExAC 0.05942; gnomAD exomes 0.00015.

Submissions (3):

KCCC/NGS Laboratory, Kuwait Cancer Control Center
Classification: Benign for Familial cutaneous telangiectasia and oropharyngeal predisposition cancer syndrome. Last evaluated: 2025-02-01. Review status: criteria provided, single submitter. Criteria: ACMG Guidelines, 2015. Collection method: clinical testing. Allele origin: germline. Affected: no.

Breakthrough Genomics
Classification: Likely benign. Review status: criteria provided, single submitter. Criteria: ACMG Guidelines, 2015. Collection method: not provided. Allele origin: germline. Inheritance: Autosomal recessive inheritance. Affected: yes.

Genetic Services Laboratory, University of Chicago
Classification: Likely benign. Review status: no assertion criteria provided. Collection method: clinical testing. Allele origin: germline. Inheritance: Autosomal recessive inheritance. Not counted in ClinVar's aggregate classification.
Comment: Likely benign based on allele frequency in 1000 Genomes Project or ESP global frequency and its presence in a patient with a rare or unrelated disease phenotype. NOT Sanger confirmed

NM_001184.4(ATR):c.5898+32A>G

Gene: ATR (ATR checkpoint kinase; minus strand). Cytogenetic location: 3q23.
Variant type: single nucleotide variant.
Coding change: c.5898+32A>G on transcript NM_001184.4 (MANE Select); 32 bases into the intron after coding-DNA position 5898, A replaced by G.
Molecular consequence: intron variant.
Genome position (GRCh38, 1-based): chr3:142,496,329, T>C on the plus strand (A>G on the coding strand, the complement: ATR is on the minus strand). VCF-style: chr3-142496329-T-C. GRCh37 (hg19) VCF-style: chr3-142215171-T-C.
Other names: c.5706+32A>G (NM_001354579.2).
Identifiers: ClinVar variation 157998 (VCV000157998.8), dbSNP rs11719960, ClinGen allele CA171375.